The following is an entry in ClinVar:

NM_003504.5(CDC45):c.113C>A (p.Ala38Asp)

Gene: CDC45 (cell division cycle 45; plus strand). Cytogenetic location: 22q11.21.
Variant type: single nucleotide variant.
Coding change: c.113C>A on transcript NM_003504.5 (MANE Select); coding-DNA position 113, C replaced by A.
Protein change: p.Ala38Asp; replaces alanine 38 with aspartic acid.
Molecular consequence: missense variant. On other transcripts: non-coding transcript variant (1).
Genome position (GRCh38, 1-based): chr22:19,480,954, C>A. VCF-style: chr22-19480954-C-A. GRCh37 (hg19) VCF-style: chr22-19468477-C-A.
Other names: c.113C>A, p.Ala38Asp (NM_001178010.2, NM_001178011.2); c.77C>A, p.Ala26Asp (NM_001369291.1); c.113C>A (NM_001178010.1); short protein forms A26D, A38D.
Identifiers: ClinVar variation 1387961 (VCV001387961.4), dbSNP rs915748043, ClinGen allele CA322094220.

ClinVar aggregate classification (germline): Uncertain significance. Review status: criteria provided, multiple submitters, no conflicts (2 of 4 stars). 2 submissions from 2 submitters: Uncertain significance (2). Last evaluated 2024-11-13.

Conditions:
Inborn genetic diseases. Identifiers: MedGen C0950123, MeSH D030342.

Allele frequency attached by ClinVar (database versions not stated): gnomAD 0.00001; TOPMed 0.00006.
gnomAD v4.1: 3 of 1,605,102 alleles (0.00019%); highest among the groups gnomAD compares: Admixed American, 0.0017%; no homozygotes.

Submissions (2):

Ambry Genetics
Classification: Uncertain significance for Inborn genetic diseases. Last evaluated: 2024-11-13. Review status: criteria provided, single submitter. Criteria: Ambry Variant Classification Scheme 2023. Collection method: clinical testing. Allele origin: germline.

Labcorp Genetics (formerly Invitae), Labcorp
Classification: Uncertain significance. Last evaluated: 2022-07-27. Review status: criteria provided, single submitter. Criteria: Invitae Variant Classification Sherloc (09022015). Collection method: clinical testing. Allele origin: germline.
Comment: This sequence change replaces alanine, which is neutral and non-polar, with aspartic acid, which is acidic and polar, at codon 38 of the CDC45 protein (p.Ala38Asp). This variant is not present in population databases (gnomAD no frequency). This variant has not been reported in the literature in individuals affected with CDC45-related conditions. ClinVar contains an entry for this variant (Variation ID: 1387961). Algorithms developed to predict the effect of missense changes on protein structure and function are either unavailable or do not agree on the potential impact of this missense change (SIFT: "Deleterious"; PolyPhen-2: "Benign"; Align-GVGD: "Class C0"). In summary, the available evidence is currently insufficient to determine the role of this variant in disease. Therefore, it has been classified as a Variant of Uncertain Significance.